The following is an entry in ClinVar:

NM_021831.6(AGBL5):c.2431A>C (p.Thr811Pro)

Gene: AGBL5 (AGBL carboxypeptidase 5; plus strand). Cytogenetic location: 2p23.3.
Variant type: single nucleotide variant.
Coding change: c.2431A>C on transcript NM_021831.6 (MANE Select); coding-DNA position 2431, A replaced by C.
Protein change: p.Thr811Pro; replaces threonine 811 with proline.
Molecular consequence: missense variant. On other transcripts: non-coding transcript variant (2).
Genome position (GRCh38, 1-based): chr2:27,069,648, A>C. VCF-style: chr2-27069648-A-C. GRCh37 (hg19) VCF-style: chr2-27292516-A-C.
Other names: short protein forms T811P.
Identifiers: ClinVar variation 1018034 (VCV001018034.8), dbSNP rs752432225, ClinGen allele CA1568251.

ClinVar aggregate classification (germline): Uncertain significance (1 of 4 stars; one submission).

Allele frequency attached by ClinVar (database versions not stated): gnomAD exomes below 0.00001; ExAC 0.00001.
gnomAD v4.1: 1 of 1,614,044 alleles (0.000062%); highest among the groups gnomAD compares: Non-Finnish European, 0.000085%; no homozygotes.

Submission:

Labcorp Genetics (formerly Invitae), Labcorp
Classification: Uncertain significance. Last evaluated: 2023-07-07. Review status: criteria provided, single submitter. Criteria: Invitae Variant Classification Sherloc (09022015). Collection method: clinical testing. Allele origin: germline.
Comment: This variant is present in population databases (rs752432225, gnomAD 0.0009%). In summary, the available evidence is currently insufficient to determine the role of this variant in disease. Therefore, it has been classified as a Variant of Uncertain Significance. An algorithm developed to predict the effect of missense changes on protein structure and function (PolyPhen-2) suggests that this variant is likely to be tolerated. ClinVar contains an entry for this variant (Variation ID: 1018034). This variant has not been reported in the literature in individuals affected with AGBL5-related conditions. This sequence change replaces threonine, which is neutral and polar, with proline, which is neutral and non-polar, at codon 811 of the AGBL5 protein (p.Thr811Pro).